The following is an entry in ClinVar:

ClinVar aggregate classification (germline): Uncertain significance (1 of 4 stars; one submission).

Conditions:
Familial intrahepatic cholestasis. Identifiers: Orphanet 284385, MedGen CN296401, MONDO:0017290.
Low phospholipid associated cholelithiasis (GBD1). Also called: Gallbladder disease 1; Gallstone cholecystitis. Identifiers: Orphanet 69663, MedGen C2609268, MONDO:0010939, OMIM 600803.

Submission:

Genomenon, Inc
Classification: Uncertain significance for Familial intrahepatic cholestasis; Low phospholipid associated cholelithiasis. Last evaluated: 2026-04-14. Review status: criteria provided, single submitter. Criteria: Genomenon Sequence Variant Interpretation Standards - Updated. Collection method: curation. Allele origin: germline. Affected: no.
Comment: ABCB4 p.Leu1197Arg (c.3590T>G) is a missense variant that changes the amino acid at residue 1197 from Leucine to Arginine. This variant has been reported in the published literature (PMID:38374565). It is absent or not present at a significant frequency in gnomAD. In silico models predict that this variant is possibly or probably damaging. In conclusion, we classify ABCB4 p.Leu1197Arg (c.3590T>G) as a variant of uncertain significance.

Literature cited by the submitters: PubMed 38374565.

NM_000443.4(ABCB4):c.3590T>G (p.Leu1197Arg)

Gene: ABCB4 (ATP binding cassette subfamily B member 4; minus strand). Cytogenetic location: 7q21.12.
Variant type: single nucleotide variant.
Coding change: c.3590T>G on transcript NM_000443.4 (MANE Select); coding-DNA position 3590, T replaced by G.
Protein change: p.Leu1197Arg; replaces leucine 1197 with arginine.
Molecular consequence: missense variant.
Genome position (GRCh38, 1-based): chr7:87,403,178, A>C on the plus strand (T>G on the coding strand, the complement: ABCB4 is on the minus strand). VCF-style: chr7-87403178-A-C. GRCh37 (hg19) VCF-style: chr7-87032494-A-C.
Other names: c.3611T>G, p.Leu1204Arg (NM_018849.3); c.3449T>G, p.Leu1150Arg (NM_018850.3); short protein forms L1150R, L1197R, L1204R.
Identifiers: ClinVar variation 4846527 (VCV004846527.1).